The following is an entry in ClinVar:

ClinVar aggregate classification (germline): Uncertain significance. Review status: criteria provided, multiple submitters, no conflicts (2 of 4 stars). 4 submissions from 4 submitters: Uncertain significance (4). Last evaluated 2025-03-22.

Conditions:
Inborn genetic diseases. Identifiers: MedGen C0950123, MeSH D030342.

Allele frequency attached by ClinVar (database versions not stated): ExAC 0.00001; gnomAD exomes 0.00001.
gnomAD v4.1: 11 of 1,614,152 alleles (0.00068%); highest among the groups gnomAD compares: Middle Eastern, 0.017%; no homozygotes.

Submissions (4):

Ambry Genetics
Classification: Uncertain significance for Inborn genetic diseases. Last evaluated: 2025-03-22. Review status: criteria provided, single submitter. Criteria: Ambry Variant Classification Scheme 2023. Collection method: clinical testing. Allele origin: germline.

Labcorp Genetics (formerly Invitae), Labcorp
Classification: Uncertain significance. Last evaluated: 2024-03-02. Review status: criteria provided, single submitter. Criteria: Invitae Variant Classification Sherloc (09022015). Collection method: clinical testing. Allele origin: germline.
Comment: This sequence change replaces arginine, which is basic and polar, with cysteine, which is neutral and slightly polar, at codon 1281 of the COL2A1 protein (p.Arg1281Cys). This variant is present in population databases (rs764309847, gnomAD 0.003%). This variant has not been reported in the literature in individuals affected with COL2A1-related conditions. Advanced modeling of protein sequence and biophysical properties (such as structural, functional, and spatial information, amino acid conservation, physicochemical variation, residue mobility, and thermodynamic stability) performed at Invitae indicates that this missense variant is expected to disrupt COL2A1 protein function with a positive predictive value of 95%. In summary, the available evidence is currently insufficient to determine the role of this variant in disease. Therefore, it has been classified as a Variant of Uncertain Significance.

Blueprint Genetics
Classification: Uncertain significance. Last evaluated: 2017-07-03. Review status: criteria provided, single submitter. Criteria: ACMG Guidelines, 2015. Collection method: clinical testing. Allele origin: germline.

Breakthrough Genomics
Classification: Uncertain significance. Review status: criteria provided, single submitter. Criteria: ACMG Guidelines, 2015. Collection method: not provided. Allele origin: germline. Inheritance: Autosomal dominant inheritance. Affected: yes.

NM_001844.5(COL2A1):c.3841C>T (p.Arg1281Cys)

Gene: COL2A1 (collagen type II alpha 1 chain; minus strand). Cytogenetic location: 12q13.11.
Variant type: single nucleotide variant.
Coding change: c.3841C>T on transcript NM_001844.5 (MANE Select); coding-DNA position 3841, C replaced by T.
Protein change: p.Arg1281Cys; replaces arginine 1281 with cysteine.
Molecular consequence: missense variant.
Genome position (GRCh38, 1-based): chr12:47,975,362, G>A on the plus strand (C>T on the coding strand, the complement: COL2A1 is on the minus strand). VCF-style: chr12-47975362-G-A. GRCh37 (hg19) VCF-style: chr12-48369145-G-A.
Other names: c.3841C>T (NM_001844.4); c.3634C>T, p.Arg1212Cys (NM_033150.3); short protein forms R1212C, R1281C.
Identifiers: ClinVar variation 2782811 (VCV002782811.6), dbSNP rs764309847, ClinGen allele CA6534630.
Genomic context (GRCh38, chr12:47,975,362, plus strand): 5'-GTTCTCCAAGCTTACCACTCTTCCACTCAGGGTGGCAGAGTTTCAGGTCTCTGCAGGTGC[G>A]AGCAGGGTTCTTGCGGGAGCCCTCGGGGCTGCGGATGCTCTCAATCTGGTTGTTGAGGGA-3'
Protein context (NP_001835.3, residues 1271-1291): SPEGSRKNPA[Arg1281Cys]TCRDLKLCHP